The following is an entry in ClinVar:

NC_000013.11:g.32370444_32370454delinsAAG

Gene: BRCA2 (BRCA2 DNA repair associated; plus strand). Cytogenetic location: 13q13.1.
Variant type: Indel.
Genome position: GRCh38 VCF-style: chr13-32370444-CTTGGATTCTT-AAG. GRCh37 (hg19) VCF-style: chr13-32944581-CTTGGATTCTT-AAG.
Other names: c.8374_8384delinsAAG, p.Leu2792fs (LRG_293t1).
Identifiers: ClinVar variation 548403 (VCV000548403.1), dbSNP rs886040766, ClinGen allele CA658823575.

ClinVar aggregate classification (germline): Pathogenic (3 of 4 stars; one submission).

Conditions:
Breast-ovarian cancer, familial, susceptibility to, 2 (BROVCA2). Also called: BRCA2 Hereditary Breast and Ovarian Cancer. Identifiers: Orphanet 145, MedGen C2675520, MONDO:0012933, OMIM 612555. Disease mechanism: loss of function.

Submission:

Evidence-based Network for the Interpretation of Germline Mutant Alleles (ENIGMA)
Classification: Pathogenic for Breast-ovarian cancer, familial, susceptibility to, 2. Last evaluated: 2017-12-15. Review status: reviewed by expert panel. Criteria: ENIGMA BRCA1/2 Classification Criteria (2017-06-29). Collection method: curation. Allele origin: germline. Study: ENIGMA.
Comment: Variant allele predicted to encode a truncated non-functional protein.